The following is an entry in ClinVar:

ClinVar aggregate classification (germline): Uncertain significance. Review status: criteria provided, multiple submitters, no conflicts (2 of 4 stars). 2 submissions from 2 submitters: Uncertain significance (2). Last evaluated 2026-07-21.

Conditions:
NRP1-related disorder. Also called: NRP1-related condition.

Allele frequency attached by ClinVar (database versions not stated): gnomAD 0.00001; gnomAD exomes 0.00001; TOPMed 0.00002; ExAC 0.00006.
gnomAD v4.1: 23 of 1,612,782 alleles (0.0014%); highest among the groups gnomAD compares: Admixed American, 0.028%; 1 homozygote.

Submissions (2):

PreventionGenetics, part of Exact Sciences
Classification: Uncertain significance for NRP1-related condition. Last evaluated: 2026-07-21. Review status: criteria provided, single submitter. Criteria: ACMG Guidelines, 2015. Collection method: clinical testing. Allele origin: germline.
Comment: The NRP1 c.221A>T variant is predicted to result in the amino acid substitution p.His74Leu. To our knowledge, this variant has not been reported in the literature. This variant is reported in 0.044% of alleles in individuals of Latino descent in gnomAD, including one homozygote. At this time, the clinical significance of this variant is uncertain due to the absence of conclusive functional and genetic evidence.

Ambry Genetics
Classification: Uncertain significance. Last evaluated: 2025-01-04. Review status: criteria provided, single submitter. Criteria: Ambry Variant Classification Scheme 2023. Collection method: clinical testing. Allele origin: germline.

NM_003873.7(NRP1):c.221A>T (p.His74Leu)

Gene: NRP1 (neuropilin 1; minus strand). Cytogenetic location: 10p11.22.
Variant type: single nucleotide variant.
Coding change: c.221A>T on transcript NM_003873.7 (MANE Select); coding-DNA position 221, A replaced by T.
Protein change: p.His74Leu; replaces histidine 74 with leucine.
Molecular consequence: missense variant. On other transcripts: non-coding transcript variant (1).
Genome position (GRCh38, 1-based): chr10:33,330,735, T>A on the plus strand (A>T on the coding strand, the complement: NRP1 is on the minus strand). VCF-style: chr10-33330735-T-A. GRCh37 (hg19) VCF-style: chr10-33619663-T-A.
Other names: c.221A>T, p.His74Leu (NM_001024628.3, NM_001024629.3, NM_001244972.2 and 2 more transcripts); short protein forms H74L.
Identifiers: ClinVar variation 3030462 (VCV003030462.4), dbSNP rs750237365, ClinGen allele CA5467016.
Genomic context (GRCh38, chr10:33,330,735, plus strand): 5'-TGTGGTGCCCTGTTCAAAAACATTCCCACTTACTTGCAGTCTCTGTCCTCCAAATCGAAG[T>A]GAGGGTTGAAGTTGATCATAATTCTCTGGTATGGGTCCGGAGCCTGAATCAGCCATTCGC-3'
Protein context (NP_003864.5, residues 64-84): YQRIMINFNP[His74Leu]FDLEDRDCKY